The following is an entry in ClinVar:

ClinVar aggregate classification (germline): Uncertain significance (1 of 4 stars; one submission).

Submission:

Women's Health and Genetics/Laboratory Corporation of America, LabCorp
Classification: Uncertain significance. Last evaluated: 2024-06-26. Review status: criteria provided, single submitter. Criteria: LabCorp Variant Classification Summary - May 2015. Collection method: clinical testing. Allele origin: germline.
Comment: Variant summary: NIPBL c.3643G>C (p.Asp1215His) results in a non-conservative amino acid change in the encoded protein sequence. Five of five in-silico tools predict a damaging effect of the variant on protein function. The variant was absent in 250328 control chromosomes. The available data on variant occurrences in the general population are insufficient to allow any conclusion about variant significance. To our knowledge, no occurrence of c.3643G>C in individuals affected with Cornelia De Lange Syndrome 1 and no experimental evidence demonstrating its impact on protein function have been reported. No submitters have cited clinical-significance assessments for this variant to ClinVar. Based on the evidence outlined above, the variant was classified as uncertain significance.

NM_133433.4(NIPBL):c.3643G>C (p.Asp1215His)

Gene: NIPBL (NIPBL cohesin loading factor; plus strand). Cytogenetic location: 5p13.2.
Variant type: single nucleotide variant.
Coding change: c.3643G>C on transcript NM_133433.4 (MANE Select); coding-DNA position 3643, G replaced by C.
Protein change: p.Asp1215His; replaces aspartic acid 1215 with histidine.
Molecular consequence: missense variant.
Genome position (GRCh38, 1-based): chr5:37,001,057, G>C. VCF-style: chr5-37001057-G-C. GRCh37 (hg19) VCF-style: chr5-37001159-G-C.
Other names: c.3643G>C, p.Asp1215His (NM_015384.5); short protein forms D1215H.
Identifiers: ClinVar variation 3339603 (VCV003339603.1).
Genomic context (GRCh38, chr5:37,001,057, plus strand): 5'-GACTCTTCAACTTTTAAGAGATTCACAGCCTCAATAGAGAATATTTTGGATAATTTGGAA[G>C]ATATGGATTTTACTGCGTTTGGTAAAATCAACTTAAAATACATTTACACATACTCTAAGT-3'
Protein context (NP_597677.2, residues 1205-1225): SIENILDNLE[Asp1215His]MDFTAFGDDD